The following is an entry in ClinVar:

ClinVar aggregate classification (germline): Conflicting classifications of pathogenicity. Review status: criteria provided, conflicting classifications (1 of 4 stars). 2 submissions from 2 submitters: Uncertain significance (1); Likely benign (1). Last evaluated 2025-08-01.

Conditions:
Intellectual disability. Also called: intellectual disabilities; Intellectual developmental disorder; Intellectual functioning disability. Identifiers: MedGen C3714756, MeSH D008607, MONDO:0001071, HP:0001249.

gnomAD v4.1: 37 of 1,206,900 alleles (0.0031%); highest among the groups gnomAD compares: Non-Finnish European, 0.004%; no homozygotes.

Submissions (2):

CeGaT Center for Human Genetics Tuebingen
Classification: Likely benign. Last evaluated: 2025-08-01. Review status: criteria provided, single submitter. Criteria: CeGaT Center For Human Genetics Tuebingen Variant Classification Criteria Version 2. Collection method: clinical testing. Allele origin: germline. Affected: yes. Observed: 1 variant allele.
Comment: USP9X: BS2

Cambridge Genomics Laboratory, East Genomic Laboratory Hub, NHS Genomic Medicine Service
Classification: Uncertain significance for Intellectual disability. Last evaluated: 2020-05-13. Review status: criteria provided, single submitter. Criteria: ACGS Best Practice Guidelines for Variant Classification in Rare Disease 2020. Collection method: clinical testing. Allele origin: germline. Affected: yes. Observed: 1 variant allele.

NM_001039591.3(USP9X):c.4120G>A (p.Asp1374Asn)

Gene: USP9X (ubiquitin specific peptidase 9 X-linked; plus strand). Cytogenetic location: Xp11.4.
Variant type: single nucleotide variant.
Coding change: c.4120G>A on transcript NM_001039591.3 (MANE Select); coding-DNA position 4120, G replaced by A.
Protein change: p.Asp1374Asn; replaces aspartic acid 1374 with asparagine.
Molecular consequence: missense variant.
Genome position (GRCh38, 1-based): chrX:41,196,625, G>A. VCF-style: chrX-41196625-G-A. GRCh37 (hg19) VCF-style: chrX-41055878-G-A.
Other names: c.4120G>A, p.Asp1374Asn (NM_001039590.3); c.4135G>A, p.Asp1379Asn (NM_001410748.1, NM_001410749.1); short protein forms D1374N, D1379N.
Identifiers: ClinVar variation 4074811 (VCV004074811.9).